The following is an entry in ClinVar:

NM_004517.4(ILK):c.673C>T (p.Arg225Ter)

Genes: TAF10 (TATA-box binding protein associated factor 10; minus strand), ILK (integrin linked kinase; plus strand). Cytogenetic location: 11p15.4.
Variant type: single nucleotide variant.
Coding change: c.673C>T on transcript NM_004517.4 (MANE Select); coding-DNA position 673, C replaced by T.
Protein change: p.Arg225Ter; replaces arginine 225 with a stop codon.
Molecular consequence: nonsense. On other transcripts: 3 prime UTR variant (1).
Genome position (GRCh38, 1-based): chr11:6,609,353, C>T. VCF-style: chr11-6609353-C-T. GRCh37 (hg19) VCF-style: chr11-6630584-C-T.
Other names: c.673C>T, p.Arg225Ter (NM_001014794.3, NM_001014795.3); c.490C>T, p.Arg164Ter (NM_001278441.2); c.271C>T, p.Arg91Ter (NM_001278442.2); c.*1569G>A (NM_006284.4); short protein forms R164*, R225*, R91*.
Identifiers: ClinVar variation 1021993 (VCV001021993.8), dbSNP rs1179732298, ClinGen allele CA379461611.

ClinVar aggregate classification (germline): Uncertain significance (1 of 4 stars; one submission).

Conditions:
Primary familial hypertrophic cardiomyopathy (HCM). Identifiers: Orphanet 99739, MedGen C0949658, MeSH D024741, MONDO:0024573. Inheritance: Various modes of inheritance.

Allele frequency attached by ClinVar (database versions not stated): TOPMed 0.00001.
gnomAD v4.1: 1 of 1,613,948 alleles (0.000062%); highest among the groups gnomAD compares: Admixed American, 0.0017%; no homozygotes.

Submission:

Labcorp Genetics (formerly Invitae), Labcorp
Classification: Uncertain significance for Primary familial hypertrophic cardiomyopathy. Last evaluated: 2020-01-08. Review status: criteria provided, single submitter. Criteria: Invitae Variant Classification Sherloc (09022015). Collection method: clinical testing. Allele origin: germline.
Comment: This sequence change creates a premature translational stop signal (p.Arg225*) in the ILK gene. It is expected to result in an absent or disrupted protein product. This variant is not present in population databases (ExAC no frequency). This variant has not been reported in the literature in individuals with ILK-related conditions. The current clinical and genetic evidence is not sufficient to establish whether loss-of-function variants in ILK cause disease. In summary, the available evidence is currently insufficient to determine the role of this variant in disease. Therefore, it has been classified as a Variant of Uncertain Significance.